The following is an entry in ClinVar:

ClinVar aggregate classification (germline): Conflicting classifications of pathogenicity. Review status: criteria provided, conflicting classifications (1 of 4 stars). 2 submissions from 2 submitters: Likely pathogenic (1); Uncertain significance (1). Last evaluated 2025-03-14.

Allele frequency attached by ClinVar (database versions not stated): gnomAD exomes 0.00001; TOPMed 0.00001.
gnomAD v4.1: 81 of 1,614,230 alleles (0.005%); highest among the groups gnomAD compares: Non-Finnish European, 0.0069%; no homozygotes.

Submissions (2):

Women's Health and Genetics/Laboratory Corporation of America, LabCorp
Classification: Uncertain significance. Last evaluated: 2025-03-14. Review status: criteria provided, single submitter. Criteria: LabCorp Variant Classification Summary - May 2015. Collection method: clinical testing. Allele origin: germline.

GeneDx
Classification: Likely pathogenic. Last evaluated: 2014-03-31. Review status: criteria provided, single submitter. Criteria: GeneDx Variant Classification (06012015). Collection method: clinical testing. Allele origin: germline. Affected: yes.
Comment: p.Gln293Pro (CAG>CCG): c.878 A>C in exon 5 of the PUS1 gene (NM_025215.5) A Q293P variant that is likely pathogenic was identified in the PUS1 gene. It has not been published as a mutation, nor has it been reported as a benign polymorphism to our knowledge. The Q293P variant is a non-conservative amino acid substitution, which is likely to impact secondary protein structure as these residues differ in polarity, charge, size and/or other properties. This substitution occurs at a position that is highly conserved across species. In silico analysis predicts this variant is probably damaging to the protein structure/function. Therefore, this variant is a strong candidate for a pathogenic mutation, however the possibility that it is a benign variant cannot be excluded. The variant is found in MITONUC-MITOP panel(s).

NM_025215.6(PUS1):c.878A>C (p.Gln293Pro)

Gene: PUS1 (pseudouridine synthase 1; plus strand). Cytogenetic location: 12q24.33.
Variant type: single nucleotide variant.
Coding change: c.878A>C on transcript NM_025215.6 (MANE Select); coding-DNA position 878, A replaced by C.
Protein change: p.Gln293Pro; replaces glutamine 293 with proline.
Molecular consequence: missense variant.
Genome position (GRCh38, 1-based): chr12:131,941,625, A>C. VCF-style: chr12-131941625-A-C. GRCh37 (hg19) VCF-style: chr12-132426170-A-C.
Other names: p.Q293P:CAG>CCG; c.794A>C, p.Gln265Pro (NM_001002019.3, NM_001002020.3); short protein forms Q265P, Q293P.
Identifiers: ClinVar variation 215047 (VCV000215047.3), dbSNP rs863224176, ClinGen allele CA320208.